The following is an entry in ClinVar:

NM_000081.4(LYST):c.716G>T (p.Ser239Ile)

Gene: LYST (lysosomal trafficking regulator; minus strand). Cytogenetic location: 1q42.3.
Variant type: single nucleotide variant.
Coding change: c.716G>T on transcript NM_000081.4 (MANE Select); coding-DNA position 716, G replaced by T.
Protein change: p.Ser239Ile; replaces serine 239 with isoleucine.
Molecular consequence: missense variant.
Genome position (GRCh38, 1-based): chr1:235,810,102, C>A on the plus strand (G>T on the coding strand, the complement: LYST is on the minus strand). VCF-style: chr1-235810102-C-A. GRCh37 (hg19) VCF-style: chr1-235973402-C-A.
Other names: c.716G>T, p.Ser239Ile (NM_001301365.1); short protein forms S239I.
Identifiers: ClinVar variation 2012894 (VCV002012894.1), dbSNP rs534142793, ClinGen allele CA344964556.
Genomic context (GRCh38, chr1:235,810,102, plus strand): 5'-TGACATAAGTCAAATGGAGAATTGTTCATGTTACTGATAACAGACAAGGCAGCTGGCTCA[C>A]TTAAAATGTCAGTGTTTGACCCCTGTCTTGGAATAATCTCTCTGGAATTTTCCAAAGCCA-3'
Protein context (NP_000072.2, residues 229-249): PRQGSNTDIL[Ser239Ile]EPAALSVISN

ClinVar aggregate classification (germline): Uncertain significance (1 of 4 stars; one submission).

Conditions:
Chédiak-Higashi syndrome (CHS). Also called: Chediak-Higashi Syndrome. Identifiers: Orphanet 167, MedGen C0007965, MONDO:0008963, OMIM 214500.

Submission:

Labcorp Genetics (formerly Invitae), Labcorp
Classification: Uncertain significance for Chédiak-Higashi syndrome. Last evaluated: 2022-07-01. Review status: criteria provided, single submitter. Criteria: Invitae Variant Classification Sherloc (09022015). Collection method: clinical testing. Allele origin: germline.
Comment: This sequence change replaces serine, which is neutral and polar, with isoleucine, which is neutral and non-polar, at codon 239 of the LYST protein (p.Ser239Ile). This variant is not present in population databases (gnomAD no frequency). This variant has not been reported in the literature in individuals affected with LYST-related conditions. Algorithms developed to predict the effect of missense changes on protein structure and function (SIFT, PolyPhen-2, Align-GVGD) all suggest that this variant is likely to be tolerated. In summary, the available evidence is currently insufficient to determine the role of this variant in disease. Therefore, it has been classified as a Variant of Uncertain Significance.